The following is an entry in ClinVar:

ClinVar aggregate classification (germline): Likely benign. Review status: criteria provided, multiple submitters, no conflicts (2 of 4 stars). 3 submissions from 3 submitters: Likely benign (3). Last evaluated 2026-01-27.

Conditions:
LMNA-related disorder. Also called: LMNA-related condition; LMNA-related disease; LMNA-related disorders. Identifiers: MedGen CN380145.
Charcot-Marie-Tooth disease type 2. Also called: Charcot-Marie-Tooth type 2. Identifiers: Orphanet 64746, MedGen C0270914, MONDO:0018993.

Allele frequency attached by ClinVar (database versions not stated): gnomAD 0.00001; gnomAD exomes 0.00002; ExAC 0.00004; ESP Exome Variant Server 0.00008.
gnomAD v4.1: 36 of 1,612,796 alleles (0.0022%); highest among the groups gnomAD compares: African/African-American, 0.0053%; no homozygotes.

Submissions (3):

PreventionGenetics, part of Exact Sciences
Classification: Likely benign for LMNA-related condition. Last evaluated: 2026-01-27. Review status: criteria provided, single submitter. Criteria: ACMG Guidelines, 2015. Collection method: clinical testing. Allele origin: germline.
Comment: This variant is classified as likely benign based on ACMG/AMP sequence variant interpretation guidelines (Richards et al. 2015 PMID: 25741868, with internal and published modifications).

Labcorp Genetics (formerly Invitae), Labcorp
Classification: Likely benign for Charcot-Marie-Tooth disease type 2. Last evaluated: 2025-06-25. Review status: criteria provided, single submitter. Criteria: Invitae Variant Classification Sherloc (09022015). Collection method: clinical testing. Allele origin: germline.

ARUP Laboratories, Molecular Genetics and Genomics, ARUP Laboratories
Classification: Likely benign. Last evaluated: 2025-05-20. Review status: criteria provided, single submitter. Criteria: ARUP Molecular Germline Variant Investigation Process 2024. Collection method: clinical testing. Allele origin: germline.

NM_170707.4(LMNA):c.1157+46C>T

Gene: LMNA (lamin A/C; plus strand). Cytogenetic location: 1q22.
Variant type: single nucleotide variant.
Coding change: c.1157+46C>T on transcript NM_170707.4 (MANE Select); 46 bases into the intron after coding-DNA position 1157, C replaced by T.
Molecular consequence: intron variant.
Genome position (GRCh38, 1-based): chr1:156,136,167, C>T. VCF-style: chr1-156136167-C-T. GRCh37 (hg19) VCF-style: chr1-156105958-C-T.
Other names: c.1157+46C>T (NM_170707.3, NM_001406983.1, NM_001282625.2 and 7 more transcripts); c.599+46C>T (NM_001407002.1, NM_001406993.1, NM_001407003.1 and 4 more transcripts); c.533+46C>T (NM_001406999.1, NM_001407000.1, NM_001406994.1 and 1 more transcripts); c.914+46C>T (NM_001406986.1, NM_001406987.1, NM_001282624.2); c.821+46C>T (NM_001406989.1, NM_001257374.3, NM_001406998.1); c.860+46C>T (NM_001406988.1).
Identifiers: ClinVar variation 2886374 (VCV002886374.5), dbSNP rs375064807, ClinGen allele CA049140.
Genomic context (GRCh38, chr1:156,136,167, plus strand): 5'-GGGCGAGGAGGAGAGGTGGGCTGGGGAGACGTCGGGGAGGTGCTGGCAGTGTCCTCTGGC[C>T]GGCAACTGGCCTTGACTAGACCCCCACTTGGTCTCCCTCTCCCCAGGCTACGCCTGTCCC-3'